The following is an entry in ClinVar:

NM_000179.3(MSH6):c.3406A>G (p.Asn1136Asp)

Gene: MSH6 (mutS homolog 6; plus strand). Cytogenetic location: 2p16.3.
Variant type: single nucleotide variant.
Coding change: c.3406A>G on transcript NM_000179.3 (MANE Select); coding-DNA position 3406, A replaced by G.
Protein change: p.Asn1136Asp; replaces asparagine 1136 with aspartic acid.
Molecular consequence: missense variant.
Genome position (GRCh38, 1-based): chr2:47,803,653, A>G. VCF-style: chr2-47803653-A-G. GRCh37 (hg19) VCF-style: chr2-48030792-A-G.
Other names: c.3016A>G, p.Asn1006Asp (NM_001281492.2); c.2500A>G, p.Asn834Asp (NM_001281493.2, NM_001281494.2); short protein forms N1006D, N1136D, N834D.
Identifiers: ClinVar variation 1055380 (VCV001055380.9), dbSNP rs2104485048, ClinGen allele CA346758889.

ClinVar aggregate classification (germline): Uncertain significance (1 of 4 stars; one submission).

Conditions:
Hereditary nonpolyposis colorectal neoplasms. Identifiers: MedGen C0009405, MeSH D003123.

Submission:

Labcorp Genetics (formerly Invitae), Labcorp
Classification: Uncertain significance for Hereditary nonpolyposis colorectal neoplasms. Last evaluated: 2021-03-20. Review status: criteria provided, single submitter. Criteria: Invitae Variant Classification Sherloc (09022015). Collection method: clinical testing. Allele origin: germline.
Comment: In summary, the available evidence is currently insufficient to determine the role of this variant in disease. Therefore, it has been classified as a Variant of Uncertain Significance. Algorithms developed to predict the effect of sequence changes on RNA splicing suggest that this variant may create or strengthen a splice site, but this prediction has not been confirmed by published transcriptional studies. Advanced modeling of protein sequence and biophysical properties (such as structural, functional, and spatial information, amino acid conservation, physicochemical variation, residue mobility, and thermodynamic stability) performed at Invitae indicates that this missense variant is expected to disrupt MSH6 protein function. This variant has not been reported in the literature in individuals with MSH6-related conditions. This variant is not present in population databases (ExAC no frequency). This sequence change replaces asparagine with aspartic acid at codon 1136 of the MSH6 protein (p.Asn1136Asp). The asparagine residue is highly conserved and there is a small physicochemical difference between asparagine and aspartic acid.